The following is an entry in ClinVar:

NM_001042750.2(STAG2):c.826G>A (p.Glu276Lys)

Gene: STAG2 (STAG2 cohesin complex component; plus strand). Cytogenetic location: Xq25.
Variant type: single nucleotide variant.
Coding change: c.826G>A on transcript NM_001042750.2 (MANE Select); coding-DNA position 826, G replaced by A.
Protein change: p.Glu276Lys; replaces glutamic acid 276 with lysine.
Molecular consequence: missense variant.
Genome position (GRCh38, 1-based): chrX:124,049,011, G>A. VCF-style: chrX-124049011-G-A. GRCh37 (hg19) VCF-style: chrX-123182861-G-A.
Other names: c.826G>A, p.Glu276Lys (NM_001042749.2, NM_001042751.2, NM_001282418.2 and 13 more transcripts); short protein forms E276K.
Identifiers: ClinVar variation 3774084 (VCV003774084.1).

ClinVar aggregate classification (germline): Uncertain significance (1 of 4 stars; one submission).

Submission:

GeneDx
Classification: Uncertain significance. Last evaluated: 2024-09-19. Review status: criteria provided, single submitter. Criteria: GeneDx Variant Classification Process June 2021. Collection method: clinical testing. Allele origin: germline. Affected: yes.
Comment: Not observed at significant frequency in large population cohorts (gnomAD); In silico analysis supports that this missense variant has a deleterious effect on protein structure/function; Has not been previously published as pathogenic or benign to our knowledge